The following is an entry in ClinVar:

NM_021625.5(TRPV4):c.1510A>G (p.Thr504Ala)

Gene: TRPV4 (transient receptor potential cation channel subfamily V member 4; minus strand). Cytogenetic location: 12q24.11.
Variant type: single nucleotide variant.
Coding change: c.1510A>G on transcript NM_021625.5 (MANE Select); coding-DNA position 1510, A replaced by G.
Protein change: p.Thr504Ala; replaces threonine 504 with alanine.
Molecular consequence: missense variant.
Genome position (GRCh38, 1-based): chr12:109,794,004, T>C on the plus strand (A>G on the coding strand, the complement: TRPV4 is on the minus strand). VCF-style: chr12-109794004-T-C. GRCh37 (hg19) VCF-style: chr12-110231809-T-C.
Other names: c.1330A>G, p.Thr444Ala (NM_147204.3); c.1369A>G, p.Thr457Ala (NM_001177428.2); c.1408A>G, p.Thr470Ala (NM_001177431.2); c.1189A>G, p.Thr397Ala (NM_001177433.2); short protein forms T457A, T470A, T397A, T444A, T504A.
Identifiers: ClinVar variation 846813 (VCV000846813.11), dbSNP rs762000967, ClinGen allele CA6780201.

ClinVar aggregate classification (germline): Uncertain significance. Review status: criteria provided, multiple submitters, no conflicts (2 of 4 stars). 2 submissions from 2 submitters: Uncertain significance (2). Last evaluated 2025-07-08.

Conditions:
Charcot-Marie-Tooth disease axonal type 2C (HMSN2C). Also called: Charcot-Marie-Tooth Disease Type 2, TRPV4-Related (CMT2C); CHARCOT-MARIE-TOOTH DISEASE, AXONAL, AUTOSOMAL DOMINANT, TYPE 2C; Charcot-Marie-Tooth Neuropathy Type 2C. Identifiers: Orphanet 99937, MedGen C1853710, MONDO:0011633, OMIM 606071.

Allele frequency attached by ClinVar (database versions not stated): gnomAD 0.00001; ExAC 0.00002; gnomAD exomes 0.00002 and 0.00004; TOPMed 0.00002.
gnomAD v4.1: 11 of 1,608,762 alleles (0.00068%); highest among the groups gnomAD compares: Admixed American, 0.015%; no homozygotes.

Submissions (2):

Labcorp Genetics (formerly Invitae), Labcorp
Classification: Uncertain significance for Charcot-Marie-Tooth disease axonal type 2C. Last evaluated: 2025-07-08. Review status: criteria provided, single submitter. Criteria: Invitae Variant Classification Sherloc (09022015). Collection method: clinical testing. Allele origin: germline.
Comment: This sequence change replaces threonine, which is neutral and polar, with alanine, which is neutral and non-polar, at codon 504 of the TRPV4 protein (p.Thr504Ala). This variant is present in population databases (rs762000967, gnomAD 0.02%). This variant has not been reported in the literature in individuals affected with TRPV4-related conditions. ClinVar contains an entry for this variant (Variation ID: 846813). Invitae Evidence Modeling of protein sequence and biophysical properties (such as structural, functional, and spatial information, amino acid conservation, physicochemical variation, residue mobility, and thermodynamic stability) indicates that this missense variant is not expected to disrupt TRPV4 protein function with a negative predictive value of 95%. In summary, the available evidence is currently insufficient to determine the role of this variant in disease. Therefore, it has been classified as a Variant of Uncertain Significance.

GeneDx
Classification: Uncertain significance. Last evaluated: 2019-04-29. Review status: criteria provided, single submitter. Criteria: GeneDx Variant Classification Process June 2021. Collection method: clinical testing. Allele origin: germline. Affected: yes.
Comment: In silico analysis, which includes protein predictors and evolutionary conservation, supports that this variant does not alter protein structure/function; Has not been previously published as pathogenic or benign to our knowledge